The following is an entry in ClinVar:

NM_001163809.2(WDR81):c.3831C>T (p.Ala1277=)

Gene: WDR81 (WD repeat domain 81; plus strand). Cytogenetic location: 17p13.3.
Variant type: single nucleotide variant.
Coding change: c.3831C>T on transcript NM_001163809.2 (MANE Select); coding-DNA position 3831, C replaced by T.
Protein change: p.Ala1277=; no amino-acid change (alanine 1277 retained).
Molecular consequence: synonymous variant.
Genome position (GRCh38, 1-based): chr17:1,730,810, C>T. VCF-style: chr17-1730810-C-T. GRCh37 (hg19) VCF-style: chr17-1634104-C-T.
Other names: p.Ala1277=; c.222C>T, p.Ala74= (NM_001163673.2); c.150C>T, p.Ala50= (NM_001163811.2); c.678C>T, p.Ala226= (NM_152348.4).
Identifiers: ClinVar variation 130738 (VCV000130738.10), dbSNP rs12150338, ClinGen allele CA155981.
Genomic context (GRCh38, chr17:1,730,810, plus strand): 5'-GGCAGGACCCACTCGGCAGCAGTTCACAGTGAGCAGTGGCGAGAGCCCACCGCTGAGCGC[C>T]GGCAACATCTACCAGAAGAGGCCGGTCCTGGGCGACATCGTGTCAGGGCCTGTGCTCAGC-3'
Protein context (NP_001157281.1, residues 1267-1287): VSSGESPPLS[Ala1277=]GNIYQKRPVL

ClinVar aggregate classification (germline): Benign. Review status: criteria provided, multiple submitters, no conflicts (2 of 4 stars). 5 submissions from 5 submitters: Benign (4). 1 of the submissions does not count toward it. Last evaluated 2024-11-28.

Allele frequency attached by ClinVar (database versions not stated): gnomAD 0.08258; ESP Exome Variant Server 0.08292; TOPMed 0.09510; 1000 Genomes Project 0.11322; 1000 Genomes Project 30x 0.11430; ExAC 0.11681.
gnomAD v4.1: 160,130 of 1,612,388 alleles (9.9%); highest among the groups gnomAD compares: Admixed American, 20%; 8,864 homozygotes.

Submissions (5):

Blueprint Genetics
Classification: Benign. Last evaluated: 2024-11-28. Review status: criteria provided, single submitter. Criteria: ACMG Guidelines, 2015. Collection method: clinical testing. Allele origin: germline.

Mayo Clinic Laboratories, Mayo Clinic
Classification: Benign. Last evaluated: 2022-03-24. Review status: criteria provided, single submitter. Criteria: ACMG Guidelines, 2015. Collection method: clinical testing. Allele origin: germline. Observed: 75 variant alleles.

GeneDx
Classification: Benign. Last evaluated: 2021-03-11. Review status: criteria provided, single submitter. Criteria: GeneDx Variant Classification Process June 2021. Collection method: clinical testing. Allele origin: germline. Affected: yes.

Breakthrough Genomics
Classification: Benign. Review status: criteria provided, single submitter. Criteria: ACMG Guidelines, 2015. Collection method: not provided. Allele origin: germline. Inheritance: Autosomal recessive inheritance. Affected: yes.

Genetic Services Laboratory, University of Chicago
Classification: Likely benign for AllHighlyPenetrant. Review status: no assertion criteria provided. Collection method: clinical testing. Allele origin: germline. Inheritance: Autosomal recessive inheritance. Not counted in ClinVar's aggregate classification.
Comment: Likely benign based on allele frequency in 1000 Genomes Project or ESP global frequency and its presence in a patient with a rare or unrelated disease phenotype. NOT Sanger confirmed.